The following is an entry in ClinVar:

ClinVar aggregate classification (germline): Likely benign. Review status: criteria provided, single submitter (1 of 4 stars). 2 submissions from 2 submitters: Likely benign (1). 1 of the submissions does not count toward it. Last evaluated 2018-06-06.

Conditions:
CCNF-related disorder. Also called: CCNF-related condition.

Allele frequency attached by ClinVar (database versions not stated): ExAC 0.00013; gnomAD exomes 0.00013.

Submissions (2):

Labcorp Genetics (formerly Invitae), Labcorp
Classification: Likely benign. Last evaluated: 2018-06-06. Review status: criteria provided, single submitter. Criteria: Invitae Variant Classification Sherloc (09022015). Collection method: clinical testing. Allele origin: germline.

PreventionGenetics, part of Exact Sciences
Classification: Likely benign for CCNF-related condition. Last evaluated: 2019-05-20. Review status: no assertion criteria provided. Collection method: clinical testing. Allele origin: germline. Not counted in ClinVar's aggregate classification.
Comment: This variant is classified as likely benign based on ACMG/AMP sequence variant interpretation guidelines (Richards et al. 2015 PMID: 25741868, with internal and published modifications).

NM_001761.3(CCNF):c.540+3G>A

Gene: CCNF (cyclin F; plus strand). Cytogenetic location: 16p13.3.
Variant type: single nucleotide variant.
Coding change: c.540+3G>A on transcript NM_001761.3 (MANE Select); 3 bases into the intron after coding-DNA position 540, G replaced by A.
Molecular consequence: intron variant.
Genome position (GRCh38, 1-based): chr16:2,437,325, G>A. VCF-style: chr16-2437325-G-A. GRCh37 (hg19) VCF-style: chr16-2487326-G-A.
Other names: c.-385+3G>A (NM_001323538.2).
Identifiers: ClinVar variation 748643 (VCV000748643.5), dbSNP rs772207315, ClinGen allele CA7842098.
Genomic context (GRCh38, chr16:2,437,325, plus strand): 5'-AAGCTGCTGCAAGGCCGTGGTTCACGAGAGCCTCAGGGCAGAGTGCCAGCTGCAGAGGGT[G>A]AGTCTGGGCGAGGGGCAGCACCTGCGAGGCCACCTGCAGGGTCCCAGGACACAGGAAGAC-3'